The following is an entry in ClinVar:

ClinVar aggregate classification (germline): Pathogenic/Likely pathogenic. Review status: criteria provided, multiple submitters, no conflicts (2 of 4 stars). 4 submissions from 4 submitters: Pathogenic (2); Likely pathogenic (2). Last evaluated 2025-06-04.

Conditions:
Hereditary cancer-predisposing syndrome. Also called: Hereditary neoplastic syndrome; Tumor predisposition; Neoplastic Syndromes, Hereditary; Hereditary Cancer Syndrome. Identifiers: Orphanet 140162, MedGen C0027672, MeSH D009386, MONDO:0015356.
Neurofibromatosis, type 1 (NF1). Also called: Neurofibromatosis, type I; NEUROFIBROMATOSIS, TYPE I, SOMATIC; Peripheral type neurofibromatosis; VON RECKLINGHAUSEN DISEASE. Identifiers: Orphanet 636, MedGen C0027831, MONDO:0018975, OMIM 162200. Disease mechanism: loss of function.

Allele frequency attached by ClinVar (database versions not stated): gnomAD exomes below 0.00001.

Submissions (4):

Labcorp Genetics (formerly Invitae), Labcorp
Classification: Pathogenic for Neurofibromatosis, type 1. Last evaluated: 2025-06-04. Review status: criteria provided, single submitter. Criteria: Invitae Variant Classification Sherloc (09022015). Collection method: clinical testing. Allele origin: germline.
Comment: This sequence change replaces lysine, which is basic and polar, with asparagine, which is neutral and polar, at codon 615 of the NF1 protein (p.Lys615Asn). RNA analysis indicates that this missense change induces altered splicing and may result in an absent or altered protein product. This variant is not present in population databases (gnomAD no frequency). This missense change has been observed in individual(s) with neurofibromatosis type 1 (PMID: 18546366, 23322702, 25541118, 28422438, 29673180). ClinVar contains an entry for this variant (Variation ID: 428956). An algorithm developed to predict the effect of missense changes on protein structure and function (PolyPhen-2) suggests that this variant is likely to be tolerated. Variants that disrupt the consensus splice site are a relatively common cause of aberrant splicing (PMID: 17576681, 9536098). Studies have shown that this missense change results in skipping of exon 16, and produces a non-functional protein and/or introduces a premature termination codon (PMID: 18546366). For these reasons, this variant has been classified as Pathogenic.

Mayo Clinic Laboratories, Mayo Clinic
Classification: Likely pathogenic. Last evaluated: 2022-09-16. Review status: criteria provided, single submitter. Criteria: ACMG Guidelines, 2015. Collection method: clinical testing. Allele origin: germline. Observed: 1 variant allele.
Comment: BP4, PP4, PM2, PVS1_strong

GeneDx
Classification: Likely pathogenic. Last evaluated: 2018-04-13. Review status: criteria provided, single submitter. Criteria: GeneDx Variant Classification (06012015). Collection method: clinical testing. Allele origin: germline. Affected: yes.
Comment: This variant is denoted NF1 c.1845G>T at the cDNA level. Located at the last nucleotide of exon 16, it disrupts a natural splice site and causes abnormal splicing. Studies have demonstrated that this variant results in skipping of exon 16 (referred to as exon 12a in published reports) and/or exons 15 and 16 (exons 11 and 12a) (Pros 2008, Sabbagh 2013). This variant has been observed in several individuals with neurofibromatosis type 1 (Pros 2008, Onitilo 2013, Sabbagh 2013, Duat Rodriguez 2015, Santoro 2017). Although the substitution results in the change of a Lysine to an Asparagine at codon 615 and is called p.Lys615Asn (K615N) in the literature, we are only using the nucleotide nomenclature to refer to the variant since the defect is determined to be one of splicing rather than a resulting missense variant. NF1 c.1845G>T was not observed in large population cohorts (Lek 2016). In silico analysis, which includes splice predictors and evolutionary conservation, supports a deleterious effect. Based on currently available evidence, we consider NF1 Lys615Asn to be a likely pathogenic variant.

Ambry Genetics
Classification: Pathogenic for Hereditary cancer-predisposing syndrome. Last evaluated: 2015-01-08. Review status: criteria provided, single submitter. Criteria: Ambry Autosomal Dominant and X-Linked criteria (10/2015). Collection method: clinical testing. Allele origin: germline. Observed: 1 variant allele.
Comment: <span style="font-size:13.3333339691162px">Thec.1845G>T<span style="font-size:13.3333339691162px">pathogenic mutation (also known as p.K615N) is<span style="font-size:13.3333339691162px">located in coding exon 16 of theNF1<span style="font-size:13.3333339691162px">gene. This pathogenic mutation results from a G to T substitution at nucleotide position 1845. The amino acid change results in lysine to asparagine at codon 615, an amino acid with similar properties. However, this change occurs in the last base pair of exon 16 which makes it likely to have some effect on normal mRNA splicing.This amino acid position is highly conserved in available vertebrate species. In one study, this mutation wasclassifiedas a type I splicesite mutation affecting the canonical 3'splice site based on mRNA functional studies, which ultimately showed that the mutation resulted inan out of frame deletion causing exon 16 to be skipped (Pros E, Hum. Mutat. 2008 Sep; 29(9):E173-93).In a seperate publication, this mutation was seenin anindividual fromthe french NF1 cohort who was clinically diagnosed with NF1. In addition,RNA studies in this publicationshowed that this splice site mutation creates two transcripts:<span style="font-size:13.3333339691162px">one which<span style="font-size:13.3333339691162px">skips exons 15 and 16and the other that skips exon 16<span style="font-size:13.3333339691162px">(Sabbagh A, Hum. Mutat. 2013;<span style="font-size:13.3333339691162px">34(11):1510-8).In addition, t<span style="font-size:13.3333339691162px">his mutation was seen in an individual who met NIH clinical criteria for NF1 and also suffered<span style="font-size:13.3333339691162px">fromsplenic infarction, a large benignhepatic cyst, a large uterine fibroma, and iron deficiency (Onitilo AA, et al. Am. J. Med. Genet. A 2013;161A(2):389-92).Based on the supporting evidence, c.1845G>T<span style="font-size:13.3333339691162px">is interpreted as a disease-causing mutation.

Literature cited by the submitters: PubMed 18546366 (cited by 3 submitters); PubMed 23322702 (cited by 3 submitters); PubMed 25541118 (cited by Labcorp Genetics (formerly Invitae), Labcorp); PubMed 28422438 (cited by Labcorp Genetics (formerly Invitae), Labcorp); PubMed 29673180 (cited by Labcorp Genetics (formerly Invitae), Labcorp); PubMed 17576681 (cited by Labcorp Genetics (formerly Invitae), Labcorp); PubMed 9536098 (cited by Labcorp Genetics (formerly Invitae), Labcorp); PubMed 23913538 (cited by Mayo Clinic Laboratories, Mayo Clinic and Ambry Genetics).

NM_001042492.3(NF1):c.1845G>T (p.Lys615Asn)

Gene: NF1 (neurofibromin 1; plus strand). Cytogenetic location: 17q11.2.
Variant type: single nucleotide variant.
Coding change: c.1845G>T on transcript NM_001042492.3 (MANE Select); coding-DNA position 1845, G replaced by T.
Protein change: p.Lys615Asn; replaces lysine 615 with asparagine.
Molecular consequence: missense variant.
Genome position (GRCh38, 1-based): chr17:31,223,567, G>T. VCF-style: chr17-31223567-G-T. GRCh37 (hg19) VCF-style: chr17-29550585-G-T.
Other names: p.Lys615Asn; c.1845G>T, p.Lys615Asn (NM_000267.4); short protein forms K615N.
Identifiers: ClinVar variation 428956 (VCV000428956.8), dbSNP rs1131691080, ClinGen allele CA399004780.
Genomic context (GRCh38, chr17:31,223,567, plus strand): 5'-AATTCTCAAGTGGTTGCGGGAAATATTGATCTGCAGGAATAAATTTCTTCTTAAAAATAA[G>T]GTAAGCAAAATGACATATTTAAAAAATGGAAGAATATTTGGAATGGTAATGGTGAGAGAT-3'
Protein context (NP_001035957.1, residues 605-625): ICRNKFLLKN[Lys615Asn]QADRSSCHFL